The following is an entry in ClinVar:

NM_016292.3(TRAP1):c.1721T>C (p.Leu574Pro)

Genes: DNASE1 (deoxyribonuclease 1; plus strand), TRAP1 (TNF receptor associated protein 1; minus strand). Cytogenetic location: 16p13.3.
Variant type: single nucleotide variant.
Coding change: c.1721T>C on transcript NM_016292.3 (MANE Select); coding-DNA position 1721, T replaced by C.
Protein change: p.Leu574Pro; replaces leucine 574 with proline.
Molecular consequence: missense variant. On other transcripts: 3 prime UTR variant (1).
Genome position (GRCh38, 1-based): chr16:3,662,955, A>G on the plus strand (T>C on the coding strand, the complement: TRAP1 is on the minus strand). VCF-style: chr16-3662955-A-G. GRCh37 (hg19) VCF-style: chr16-3712956-A-G.
Other names: c.1562T>C, p.Leu521Pro (NM_001272049.2); c.*331A>G (NM_001387140.1); short protein forms L521P, L574P.
Identifiers: ClinVar variation 1450662 (VCV001450662.6), dbSNP rs374102889, ClinGen allele CA7867911.

ClinVar aggregate classification (germline): Uncertain significance (1 of 4 stars; one submission).

Allele frequency attached by ClinVar (database versions not stated): gnomAD exomes below 0.00001; ExAC 0.00002; TOPMed 0.00001; ESP Exome Variant Server 0.00008.
gnomAD v4.1: 3 of 1,611,038 alleles (0.00019%); highest among the groups gnomAD compares: Non-Finnish European, 0.00025%; no homozygotes.

Submission:

Labcorp Genetics (formerly Invitae), Labcorp
Classification: Uncertain significance. Last evaluated: 2021-07-28. Review status: criteria provided, single submitter. Criteria: Invitae Variant Classification Sherloc (09022015). Collection method: clinical testing. Allele origin: germline.
Comment: In summary, the available evidence is currently insufficient to determine the role of this variant in disease. Therefore, it has been classified as a Variant of Uncertain Significance. Algorithms developed to predict the effect of missense changes on protein structure and function are either unavailable or do not agree on the potential impact of this missense change (SIFT: "Deleterious"; PolyPhen-2: "Probably Damaging"; Align-GVGD: "Class C0"). This variant has not been reported in the literature in individuals affected with TRAP1-related conditions. This variant is present in population databases (rs374102889, ExAC 0.003%). This sequence change replaces leucine with proline at codon 574 of the TRAP1 protein (p.Leu574Pro). The leucine residue is moderately conserved and there is a moderate physicochemical difference between leucine and proline.